The following is an entry in ClinVar:

NM_000264.5(PTCH1):c.4069A>T (p.Met1357Leu)

Gene: PTCH1 (patched 1; minus strand). Cytogenetic location: 9q22.32.
Variant type: single nucleotide variant.
Coding change: c.4069A>T on transcript NM_000264.5 (MANE Select); coding-DNA position 4069, A replaced by T.
Protein change: p.Met1357Leu; replaces methionine 1357 with leucine.
Molecular consequence: missense variant. On other transcripts: non-coding transcript variant (1).
Genome position (GRCh38, 1-based): chr9:95,447,187, T>A on the plus strand (A>T on the coding strand, the complement: PTCH1 is on the minus strand). VCF-style: chr9-95447187-T-A. GRCh37 (hg19) VCF-style: chr9-98209469-T-A.
Other names: c.3871A>T, p.Met1291Leu (NM_001083602.3); c.4066A>T, p.Met1356Leu (NM_001083603.3); c.3616A>T, p.Met1206Leu (NM_001083604.3, NM_001083605.3, NM_001083606.3 and 1 more transcripts); c.3913A>T, p.Met1305Leu (NM_001354918.2); short protein forms M1291L, M1357L, M1206L, M1305L, M1356L.
Identifiers: ClinVar variation 453879 (VCV000453879.15), dbSNP rs757909121, ClinGen allele CA374110382.
Genomic context (GRCh38, chr9:95,447,187, plus strand): 5'-CGGAGGCAGAAGCCGTCACAGTGGTGATGGGCTGGCAGTAGCCGGGCACGGAGCTGCCCA[T>A]GGCAGTGGACGCTGGGTTCCGAGGGTTGTGAGAACGGGCCCCGCGAGGGCCCCAGCGGGC-3'
Protein context (NP_000255.2, residues 1347-1367): HNPRNPASTA[Met1357Leu]GSSVPGYCQP

ClinVar aggregate classification (germline): Conflicting classifications of pathogenicity. Review status: criteria provided, conflicting classifications (1 of 4 stars). 4 submissions from 4 submitters: Uncertain significance (2); Benign (1); Likely benign (1). Last evaluated 2025-12-20.

Conditions:
Hereditary cancer-predisposing syndrome. Also called: Tumor predisposition; Hereditary Cancer Syndrome; Neoplastic Syndromes, Hereditary; Hereditary neoplastic syndrome. Identifiers: Orphanet 140162, MedGen C0027672, MeSH D009386, MONDO:0015356.
Holoprosencephaly 7 (HPE7). Identifiers: Orphanet 2162, MedGen C1835820, MONDO:0012562, OMIM 610828.
Basal cell carcinoma, susceptibility to, 1. Also called: BCC1. Identifiers: MedGen C2751544, MONDO:0011556, OMIM 605462.
Basal cell nevus syndrome 1 (BCNS1). Also called: GORLIN-GOLTZ SYNDROME; MULTIPLE BASAL CELL NEVI, ODONTOGENIC KERATOCYSTS, AND SKELETAL ANOMALIES. Identifiers: MedGen CN376810, MONDO:0958174, OMIM 109400.
Gorlin syndrome. Also called: Basal cell nevus syndrome; Nevoid Basal Cell Carcinoma Syndrome. Identifiers: Orphanet 377, MedGen C0004779, MONDO:0007187.

Submissions (4):

Labcorp Genetics (formerly Invitae), Labcorp
Classification: Benign for Gorlin syndrome. Last evaluated: 2025-12-20. Review status: criteria provided, single submitter. Criteria: Invitae Variant Classification Sherloc (09022015). Collection method: clinical testing. Allele origin: germline.

Ambry Genetics
Classification: Likely benign for Hereditary cancer-predisposing syndrome. Last evaluated: 2025-01-11. Review status: criteria provided, single submitter. Criteria: Ambry Variant Classification Scheme 2023. Collection method: clinical testing. Allele origin: germline.

Fulgent Genetics
Classification: Uncertain significance for Basal cell nevus syndrome 1; Basal cell carcinoma, susceptibility to, 1; Holoprosencephaly 7. Last evaluated: 2024-03-25. Review status: criteria provided, single submitter. Criteria: ACMG Guidelines, 2015. Collection method: clinical testing. Allele origin: germline.

GeneDx
Classification: Uncertain significance. Last evaluated: 2023-06-08. Review status: criteria provided, single submitter. Criteria: GeneDx Variant Classification Process June 2021. Collection method: clinical testing. Allele origin: germline. Affected: yes.
Comment: Not observed at significant frequency in large population cohorts (gnomAD); In silico analysis supports that this missense variant does not alter protein structure/function; Has not been previously published as pathogenic or benign to our knowledge